The following is an entry in ClinVar:

ClinVar aggregate classification (germline): Pathogenic/Likely pathogenic. Review status: criteria provided, multiple submitters, no conflicts (2 of 4 stars). 2 submissions from 2 submitters: Pathogenic (1); Likely pathogenic (1). Last evaluated 2025-12-23.

Submissions (3):

Labcorp Genetics (formerly Invitae), Labcorp
Classification: Likely pathogenic. Last evaluated: 2025-12-23. Review status: criteria provided, single submitter. Criteria: Invitae Variant Classification Sherloc (09022015). Collection method: clinical testing. Allele origin: germline.
Comment: This sequence change affects an acceptor splice site in intron 6 of the P3H2 gene. It is expected to disrupt RNA splicing. Variants that disrupt the donor or acceptor splice site typically lead to a loss of protein function (PMID: 16199547), and loss-of-function variants in P3H2 are known to be pathogenic (PMID: 24172257, 25469533). This variant is not present in population databases (gnomAD no frequency). This variant has not been reported in the literature in individuals affected with P3H2-related conditions. ClinVar contains an entry for this variant (Variation ID: 1495097). Algorithms developed to predict the effect of sequence changes on RNA splicing suggest that this variant may disrupt the consensus splice site. In summary, the currently available evidence indicates that the variant is pathogenic, but additional data are needed to prove that conclusively. Therefore, this variant has been classified as Likely Pathogenic.

Dasa
Classification: Pathogenic. Last evaluated: 2024-08-23. Review status: criteria provided, single submitter. Criteria: DASA Assertion Criteria. Collection method: clinical testing. Allele origin: germline.
Comment: NM_018192.4(P3H2):c.1189-1G>A affects a canonical splice site and is predicted to disrupt normal RNA splicing, leading to loss of normal protein function. Loss-of-function is an established mechanism of disease for this gene. The variant is present at low frequency in population datasets. Based on the available data, this variant is classified as pathogenic.

Dr. Peter K. Rogan Lab, Western University
No classification provided (evidence only). Condition: Melanoma. Review status: no classification provided. Collection method: in vitro. Allele origin: not applicable. Functional consequence: skipped exon, retained intron. Not counted in ClinVar's aggregate classification.

Literature cited by the submitters: PubMed 16199547 (cited by Labcorp Genetics (formerly Invitae), Labcorp); PubMed 24172257 (cited by Labcorp Genetics (formerly Invitae), Labcorp); PubMed 25469533 (cited by Labcorp Genetics (formerly Invitae), Labcorp).

NM_018192.4(P3H2):c.1189-1G>A

Gene: P3H2 (prolyl 3-hydroxylase 2; minus strand). Cytogenetic location: 3q28.
Variant type: single nucleotide variant.
Coding change: c.1189-1G>A on transcript NM_018192.4 (MANE Select); the canonical splice acceptor site of the intron before coding-DNA position 1189, G replaced by A.
Molecular consequence: splice acceptor variant.
Genome position (GRCh38, 1-based): chr3:189,984,591, C>T on the plus strand (G>A on the coding strand, the complement: P3H2 is on the minus strand). VCF-style: chr3-189984591-C-T. GRCh37 (hg19) VCF-style: chr3-189702380-C-T.
Other names: c.646-1G>A (NM_001134418.2).
Identifiers: ClinVar variation 1495097 (VCV001495097.8), dbSNP rs1577254356, ClinGen allele CA355756710.
Genomic context (GRCh38, chr3:189,984,591, plus strand): 5'-GCATTCTGAATGGACTTACCGATTCTCATCCTGTCGTCCTCCATATCTGATCCAATAATT[C>T]TGTTTTGAATCGAGTAAAAAAAAAAATGCAGTAATTTTGTCACTAAAACATCACTTACAG-3'